The following is an entry in ClinVar:

ClinVar aggregate classification (germline): Benign/Likely benign. Review status: criteria provided, multiple submitters, no conflicts (2 of 4 stars). 7 submissions from 7 submitters: Benign (4); Likely benign (2). 1 of the submissions does not count toward it. Last evaluated 2026-02-02.

Conditions:
YARS2-related disorder. Also called: YARS2-related condition.
Myopathy, lactic acidosis, and sideroblastic anemia 2 (MLASA2). Identifiers: Orphanet 2598, MedGen C3150802, MONDO:0013307, OMIM 613561.

Allele frequency attached by ClinVar (database versions not stated): gnomAD exomes 0.00188 and 0.00536; ExAC 0.00661; gnomAD 0.02027 and 0.02168; 1000 Genomes Project 0.02097; 1000 Genomes Project 30x 0.02202; TOPMed 0.02244; ESP Exome Variant Server 0.02460.
gnomAD v4.1: 5,905 of 1,614,116 alleles (0.37%); highest among the groups gnomAD compares: African/African-American, 7%; 185 homozygotes.

Submissions (7):

Labcorp Genetics (formerly Invitae), Labcorp
Classification: Benign. Last evaluated: 2026-02-02. Review status: criteria provided, single submitter. Criteria: Invitae Variant Classification Sherloc (09022015). Collection method: clinical testing. Allele origin: germline.

Mayo Clinic Laboratories, Mayo Clinic
Classification: Benign. Last evaluated: 2023-01-23. Review status: criteria provided, single submitter. Criteria: ACMG Guidelines, 2015. Collection method: clinical testing. Allele origin: germline. Observed: 19 variant alleles.

Genome-Nilou Lab
Classification: Benign for Myopathy, lactic acidosis, and sideroblastic anemia 2. Last evaluated: 2021-12-05. Review status: criteria provided, single submitter. Criteria: ACMG Guidelines, 2015. Collection method: clinical testing. Allele origin: germline. Affected: no.

Illumina Laboratory Services, Illumina
Classification: Likely benign for Myopathy, lactic acidosis, and sideroblastic anemia 2. Last evaluated: 2017-04-27. Review status: criteria provided, single submitter. Criteria: ICSL Variant Classification Criteria 13 December 2019. Collection method: clinical testing. Allele origin: germline.
Comment: This variant was observed as part of a predisposition screen in an ostensibly healthy population. A literature search was performed for the gene, cDNA change, and amino acid change (where applicable). No publications were found based on this search. Allele frequency data from public databases allowed determination this variant is unlikely to cause disease. Therefore, this variant is classified as likely benign.

GeneDx
Classification: Benign. Last evaluated: 2014-01-04. Review status: criteria provided, single submitter. Criteria: GeneDx Variant Classification (06012015). Collection method: clinical testing. Allele origin: germline. Affected: yes.
Comment: This variant is considered likely benign or benign based on one or more of the following criteria: it is a conservative change, it occurs at a poorly conserved position in the protein, it is predicted to be benign by multiple in silico algorithms, and/or has population frequency not consistent with disease.

Breakthrough Genomics
Classification: Likely benign. Review status: criteria provided, single submitter. Criteria: ACMG Guidelines, 2015. Collection method: not provided. Allele origin: germline. Inheritance: Autosomal recessive inheritance. Affected: yes.

PreventionGenetics, part of Exact Sciences
Classification: Benign for YARS2-related condition. Last evaluated: 2019-05-08. Review status: no assertion criteria provided. Collection method: clinical testing. Allele origin: germline. Not counted in ClinVar's aggregate classification.
Comment: This variant is classified as benign based on ACMG/AMP sequence variant interpretation guidelines (Richards et al. 2015 PMID: 25741868, with internal and published modifications).

NM_001040436.3(YARS2):c.1026G>A (p.Arg342=)

Gene: YARS2 (tyrosyl-tRNA synthetase 2; minus strand). Cytogenetic location: 12p11.21.
Variant type: single nucleotide variant.
Coding change: c.1026G>A on transcript NM_001040436.3 (MANE Select); coding-DNA position 1026, G replaced by A.
Protein change: p.Arg342=; no amino-acid change (arginine 342 retained).
Molecular consequence: synonymous variant.
Genome position (GRCh38, 1-based): chr12:32,750,796, C>T on the plus strand (G>A on the coding strand, the complement: YARS2 is on the minus strand). VCF-style: chr12-32750796-C-T. GRCh37 (hg19) VCF-style: chr12-32903730-C-T.
Other names: p.R342R:AGG>AGA; p.Arg342=.
Identifiers: ClinVar variation 137935 (VCV000137935.20), dbSNP rs35339227, ClinGen allele CA291653.
Genomic context (GRCh38, chr12:32,750,796, plus strand): 5'-TCCTTCTCGTCCATGAACAAGCTTTGTTACTTCTGCTGCCAGTCGTTTCTGAGGACCCCG[C>T]CTTTCTGGCTCTTTGACATGCAGCTGCATGATATGATCAATCTCTGGAAGGGGCAGGAAA-3'
Protein context (NP_001035526.1, residues 332-352): IMQLHVKEPE[Arg342=]RGPQKRLAAE